The following is an entry in ClinVar:

ClinVar aggregate classification (germline): Uncertain significance (1 of 4 stars; one submission).

Submission:

Women's Health and Genetics/Laboratory Corporation of America, LabCorp
Classification: Uncertain significance. Last evaluated: 2022-08-15. Review status: criteria provided, single submitter. Criteria: LabCorp Variant Classification Summary - May 2015. Collection method: clinical testing. Allele origin: germline.
Comment: Variant summary: The variant identified by MLPA or other technology involves the duplication of the coding exons 2-9 and a part of exon 10 in the BRCA1 gene. A presumed nomenclature of c.(-20+1_-19-1)_1300dup has been designated for the purposes of this classification. It has been assumed that this is a tandem duplication in direct orientation (Richardson_GIM_2018, Newman_AJHG_2015). Since the exact breakpoints of this duplication are not known, it is not possible to predict the protein level effect of this variant. The variant was absent in 20948 control chromosomes in the gnomAD database, structural variants dataset. The available data on variant occurrences in the general population are insufficient to allow any conclusion about variant significance. To our knowledge, no occurrence of c.(-20+1_-19-1)_1300dup in individuals affected with Hereditary Breast and Ovarian Cancer Syndrome and no experimental evidence demonstrating its impact on protein function have been reported. One clinical diagnostic laboratory has submitted clinical-significance assessments for a similar variant to ClinVar after 2014, and classified the variant as uncertain significance. Based on the evidence outlined above, the variant was classified as uncertain significance.

NC_000017.10:g.41246248_(41276133_41277287)dup

Gene: BRCA1 (BRCA1 DNA repair associated; minus strand).
Variant type: Duplication.
Identifiers: ClinVar variation 1705105 (VCV001705105.1).